The following is an entry in ClinVar:

NM_020921.4(NIN):c.5683T>A (p.Ser1895Thr)

Gene: NIN (ninein; minus strand). Cytogenetic location: 14q22.1.
Variant type: single nucleotide variant.
Coding change: c.5683T>A on transcript NM_020921.4 (MANE Select); coding-DNA position 5683, T replaced by A.
Protein change: p.Ser1895Thr; replaces serine 1895 with threonine.
Molecular consequence: missense variant.
Genome position (GRCh38, 1-based): chr14:50,738,232, A>T on the plus strand (T>A on the coding strand, the complement: NIN is on the minus strand). VCF-style: chr14-50738232-A-T. GRCh37 (hg19) VCF-style: chr14-51204950-A-T.
Other names: c.3544T>A, p.Ser1182Thr (NM_016350.5); c.5683T>A, p.Ser1895Thr (NM_182944.3, NM_182946.2); short protein forms S1895T, S1182T.
Identifiers: ClinVar variation 2080288 (VCV002080288.4), dbSNP rs2505158400, ClinGen allele CA389677097.

ClinVar aggregate classification (germline): Uncertain significance (1 of 4 stars; one submission).

Allele frequency attached by ClinVar (database versions not stated): gnomAD exomes below 0.00001.
gnomAD v4.1: 6 of 1,614,114 alleles (0.00037%); highest among the groups gnomAD compares: Non-Finnish European, 0.00051%; no homozygotes.

Submission:

Labcorp Genetics (formerly Invitae), Labcorp
Classification: Uncertain significance. Last evaluated: 2024-10-24. Review status: criteria provided, single submitter. Criteria: Invitae Variant Classification Sherloc (09022015). Collection method: clinical testing. Allele origin: germline.
Comment: This sequence change replaces serine, which is neutral and polar, with threonine, which is neutral and polar, at codon 1895 of the NIN protein (p.Ser1895Thr). This variant is not present in population databases (gnomAD no frequency). This variant has not been reported in the literature in individuals affected with NIN-related conditions. ClinVar contains an entry for this variant (Variation ID: 2080288). An algorithm developed to predict the effect of missense changes on protein structure and function (PolyPhen-2) suggests that this variant is likely to be disruptive. In summary, the available evidence is currently insufficient to determine the role of this variant in disease. Therefore, it has been classified as a Variant of Uncertain Significance.